The following is an entry in ClinVar:

NM_000059.4(BRCA2):c.3119del (p.Thr1040fs)

Gene: BRCA2 (BRCA2 DNA repair associated; plus strand). Cytogenetic location: 13q13.1.
Variant type: Deletion.
Coding change: c.3119del on transcript NM_000059.4 (MANE Select); coding-DNA position 3119, one base deleted (C; older notation c.3119delC).
Protein change: p.Thr1040fs; shifts the reading frame from threonine 1040.
Molecular consequence: frameshift variant.
Genome position (GRCh38, 1-based): chr13:32,337,474, C deleted. VCF-style (leftmost placement, unchanged base first): chr13-32337473-AC-A. GRCh37 (hg19) VCF-style: chr13-32911610-AC-A.
Other names: short protein forms T1040fs.
Identifiers: ClinVar variation 1049566 (VCV001049566.2), dbSNP rs2137493409, ClinGen allele CA2499222124.

ClinVar aggregate classification (germline): Pathogenic (0 of 4 stars; one submission).

Conditions:
Malignant tumor of breast. Also called: Malignant breast neoplasm; Cancer breast. Identifiers: MedGen C0006142, MONDO:0007254. Disease mechanism: loss of function.

Submission:

Department of Pathology and Laboratory Medicine, Sinai Health System
Classification: Pathogenic for Malignant tumor of breast. Review status: no assertion criteria provided. Collection method: clinical testing. Allele origin: unknown. Affected: yes. Observed: 1 variant allele. Study: The Canadian Open Genetics Repository (COGR).
Comment: The BRCA2 p.Thr1040IlefsX3 variant was not identified in the literature nor was it identified in the dbSNP, ClinVar, GeneInsight-COGR, Cosmic, LOVD 3.0, UMD-LSDB, BIC Database, ARUP Laboratories, or the Zhejiang University Database. The variant was not identified in the following control databases: the 1000 Genomes Project, the NHLBI GO Exome Sequencing Project, the Exome Aggregation Consortium (August 8th 2016), or the Genome Aggregation Database (Feb 27, 2017). The c.3119del variant is predicted to cause a frameshift, which alters the protein's amino acid sequence beginning at codon 1040 and leads to a premature stop codon at position 1042. This alteration is then predicted to result in a truncated or absent protein and loss of function. Loss of function variants of the BRCA2 gene are an established mechanism of disease in breast and ovarian cancer and is the type of variant expected to cause the disorder. The variant occurs outside of the splicing consensus sequence and in silico or computational prediction software programs (SpliceSiteFinder, MaxEntScan, NNSPLICE, GeneSplicer, HumanSpliceFinder) do not predict a difference in splicing. In summary, based on the above information this variant meets our laboratoryâ€šÃ„Ã´s criteria to be classified as pathogenic.